The following is an entry in ClinVar:

NC_000013.10:g.(?_52520410)_(52524545_?)del

Gene: ATP7B (ATPase copper transporting beta; minus strand). Cytogenetic location: 13q14.3.
Variant type: Deletion.
Identifiers: ClinVar variation 1459757 (VCV001459757.7).

ClinVar aggregate classification (germline): Pathogenic (1 of 4 stars; one submission).

Conditions:
Wilson disease (WND). Also called: Wilson's disease. Identifiers: Orphanet 905, MedGen C0019202, MONDO:0010200, OMIM 277900. Disease mechanism: loss of function.

Submission:

Labcorp Genetics (formerly Invitae), Labcorp
Classification: Pathogenic for Wilson disease. Last evaluated: 2022-02-02. Review status: criteria provided, single submitter. Criteria: Invitae Variant Classification Sherloc (09022015). Collection method: clinical testing. Allele origin: germline.
Comment: For these reasons, this variant has been classified as Pathogenic. This variant has not been reported in the literature in individuals affected with ATP7B-related conditions. This variant is a gross deletion of the genomic region encompassing exon(s) 10-13 of the ATP7B gene. This deletion is out-of-frame, and is expected to create a premature termination codon and result in an absent or disrupted protein product. Loss-of-function variants in ATP7B are known to be pathogenic (PMID: 10441329, 16283883).

Literature cited by the submitters: PubMed 10441329; PubMed 16283883.